The following is an entry in ClinVar:

ClinVar aggregate classification (germline): Uncertain significance. Review status: criteria provided, multiple submitters, no conflicts (2 of 4 stars). 2 submissions from 2 submitters: Uncertain significance (2). Last evaluated 2025-07-31.

Conditions:
Craniolenticulosutural dysplasia (CLSD). Also called: BOYADJIEV-JABS SYNDROME. Identifiers: Orphanet 50814, MedGen C1843042, MONDO:0011911, OMIM 607812.

Allele frequency attached by ClinVar (database versions not stated): gnomAD exomes 0.00001; ExAC 0.00009; ESP Exome Variant Server 0.00015; gnomAD 0.00015; TOPMed 0.00015; 1000 Genomes Project 0.00100; 1000 Genomes Project 30x 0.00109.
gnomAD v4.1: 39 of 1,611,310 alleles (0.0024%); highest among the groups gnomAD compares: African/African-American, 0.04%; no homozygotes.

Submissions (4):

Ambry Genetics
Classification: Uncertain significance. Last evaluated: 2025-07-31. Review status: criteria provided, single submitter. Criteria: Ambry Variant Classification Scheme 2023. Collection method: clinical testing. Allele origin: germline.

Labcorp Genetics (formerly Invitae), Labcorp
Classification: Uncertain significance for Craniolenticulosutural dysplasia. Last evaluated: 2023-04-18. Review status: criteria provided, single submitter. Criteria: Invitae Variant Classification Sherloc (09022015). Collection method: clinical testing. Allele origin: germline.
Comment: In summary, the available evidence is currently insufficient to determine the role of this variant in disease. Therefore, it has been classified as a Variant of Uncertain Significance. Algorithms developed to predict the effect of sequence changes on RNA splicing suggest that this variant may create or strengthen a splice site. Advanced modeling of protein sequence and biophysical properties (such as structural, functional, and spatial information, amino acid conservation, physicochemical variation, residue mobility, and thermodynamic stability) performed at Invitae indicates that this missense variant is not expected to disrupt SEC23A protein function. This variant has not been reported in the literature in individuals affected with SEC23A-related conditions. This variant is present in population databases (rs148560912, gnomAD 0.06%), and has an allele count higher than expected for a pathogenic variant. This sequence change replaces glycine, which is neutral and non-polar, with valine, which is neutral and non-polar, at codon 124 of the SEC23A protein (p.Gly124Val).

Dr. Peter K. Rogan Lab, Western University
No classification provided (evidence only). Condition: Lung cancer. Review status: no classification provided. Collection method: in vitro. Allele origin: not applicable. Functional consequence: retained intron. Not counted in ClinVar's aggregate classification.

Dr. Peter K. Rogan Lab, Western University
No classification provided (evidence only). Condition: Gastric cancer. Review status: no classification provided. Collection method: in vitro. Allele origin: not applicable. Functional consequence: retained intron. Not counted in ClinVar's aggregate classification.

NM_006364.4(SEC23A):c.371G>T (p.Gly124Val)

Gene: SEC23A (SEC23 homolog A, COPII component; minus strand). Cytogenetic location: 14q21.1.
Variant type: single nucleotide variant.
Coding change: c.371G>T on transcript NM_006364.4 (MANE Select); coding-DNA position 371, G replaced by T.
Protein change: p.Gly124Val; replaces glycine 124 with valine.
Molecular consequence: missense variant.
Genome position (GRCh38, 1-based): chr14:39,091,709, C>A on the plus strand (G>T on the coding strand, the complement: SEC23A is on the minus strand). VCF-style: chr14-39091709-C-A. GRCh37 (hg19) VCF-style: chr14-39560913-C-A.
Other names: c.371G>T (NM_006364.2); short protein forms G124V.
Identifiers: ClinVar variation 2713804 (VCV002713804.5), dbSNP rs148560912, ClinGen allele CA7162145.
Genomic context (GRCh38, chr14:39,091,709, plus strand): 5'-AAATCTTCATCTTCCATGCAAGTATCAACCACATAGAGGAATATCAAAGGCATCTGAGGA[C>A]CACGCTTTTAAAAAATTCACCAAAAAGAAAAAATATGTAGTTTAAAGCACAGCATACAAG-3'
Protein context (NP_006355.2, residues 114-134): FSSIEYVVLR[Gly124Val]PQMPLIFLYV